The following is an entry in ClinVar:

ClinVar aggregate classification (germline): Uncertain significance (1 of 4 stars; one submission).

Conditions:
Brugada syndrome 4 (BRGDA4). Identifiers: Orphanet 130, MedGen C2678477, MONDO:0012743, OMIM 611876.

gnomAD v4.1: 1 of 1,598,380 alleles (0.000063%); highest among the groups gnomAD compares: Non-Finnish European, 0.000085%; no homozygotes.

Submission:

Human Genetics Bochum, Ruhr University Bochum
Classification: Uncertain significance for Brugada syndrome 4. Last evaluated: 2025-09-08. Review status: criteria provided, single submitter. Criteria: ACMG Guidelines, 2015. Collection method: clinical testing. Allele origin: germline. Affected: yes.
Comment: ACMG criteria used to clasify this variant: PM2_SUP, PP3

NM_201596.3(CACNB2):c.120G>A (p.Gln40=)

Gene: CACNB2 (calcium voltage-gated channel auxiliary subunit beta 2; plus strand). Cytogenetic location: 10p12.33.
Variant type: single nucleotide variant.
Coding change: c.120G>A on transcript NM_201596.3 (MANE Select); coding-DNA position 120, G replaced by A.
Protein change: p.Gln40=; no amino-acid change (glutamine 40 retained).
Molecular consequence: synonymous variant. On other transcripts: 5 prime UTR variant (3).
Genome position (GRCh38, 1-based): chr10:18,140,856, G>A. VCF-style: chr10-18140856-G-A. GRCh37 (hg19) VCF-style: chr10-18429785-G-A.
Other names: c.-324G>A (NM_001167945.2, NM_201571.4, NM_201572.4); c.120G>A, p.Gln40= (NM_201593.3, NM_201597.3).
Identifiers: ClinVar variation 4687955 (VCV004687955.1).